The following is an entry in ClinVar:

ClinVar aggregate classification (germline): Pathogenic. Review status: criteria provided, single submitter (1 of 4 stars). 3 submissions from 3 submitters: Pathogenic (1). 2 of the submissions do not count toward it. Last evaluated 2024-08-24.

Conditions:
Charcot-Marie-Tooth Neuropathy X. Identifiers: MedGen CN118851.
Charcot-Marie-Tooth disease X-linked dominant 1. Also called: Charcot-Marie-Tooth Neuropathy X Type 1; X-linked Charcot-Marie-Tooth disease type 1; GJB1 Disorders: Charcot-Marie-Tooth Neuropathy (CMT1X) and Central Nervous System Phenotypes; CHARCOT-MARIE-TOOTH NEUROPATHY, X-LINKED, 1; CHARCOT-MARIE-TOOTH PERONEAL MUSCULAR ATROPHY, X-LINKED; HEREDITARY MOTOR AND SENSORY NEUROPATHY, X-LINKED. Identifiers: Orphanet 101075, MedGen C0393808, MONDO:0010549, OMIM 302800.
Charcot-Marie-Tooth disease. Also called: Charcot-Marie-Tooth Hereditary Neuropathy; Charcot-Marie-Tooth Neuropathy. Identifiers: Orphanet 166, MedGen C0007959, MONDO:0015626.

Submissions (3):

Labcorp Genetics (formerly Invitae), Labcorp
Classification: Pathogenic for Charcot-Marie-Tooth Neuropathy X. Last evaluated: 2024-08-24. Review status: criteria provided, single submitter. Criteria: Invitae Variant Classification Sherloc (09022015). Collection method: clinical testing. Allele origin: germline.
Comment: This sequence change creates a premature translational stop signal (p.Trp132*) in the GJB1 gene. While this is not anticipated to result in nonsense mediated decay, it is expected to disrupt the last 152 amino acid(s) of the GJB1 protein. This variant is not present in population databases (gnomAD no frequency). This premature translational stop signal has been observed in individuals with Charcot-Marie-Tooth disease or clinical features of the condition (PMID: 10587015, 29710024, 29998508; internal data). It has also been observed to segregate with disease in related individuals. ClinVar contains an entry for this variant (Variation ID: 637195). For these reasons, this variant has been classified as Pathogenic.

Inherited Neuropathy Consortium Ii, University Of Miami
Classification: Uncertain significance for Charcot-Marie-Tooth disease X-linked dominant 1. Last evaluated: 2016-01-06. Review status: no assertion criteria provided. Collection method: literature only. Allele origin: germline. Affected: yes. Not counted in ClinVar's aggregate classification.

Inherited Neuropathy Consortium
Classification: Uncertain significance for Charcot-Marie-Tooth disease. Review status: no assertion criteria provided. Collection method: literature only. Allele origin: germline. Affected: yes. Not counted in ClinVar's aggregate classification.

Literature cited by the submitters: PubMed 10587015 (cited by 3 submitters); PubMed 29710024 (cited by Labcorp Genetics (formerly Invitae), Labcorp); PubMed 29998508 (cited by Labcorp Genetics (formerly Invitae), Labcorp).

NM_000166.6(GJB1):c.396G>A (p.Trp132Ter)

Gene: GJB1 (gap junction protein beta 1; plus strand). Cytogenetic location: Xq13.1.
Variant type: single nucleotide variant.
Coding change: c.396G>A on transcript NM_000166.6 (MANE Select); coding-DNA position 396, G replaced by A.
Protein change: p.Trp132Ter; replaces tryptophan 132 with a stop codon.
Molecular consequence: nonsense.
Genome position (GRCh38, 1-based): chrX:71,224,103, G>A. VCF-style: chrX-71224103-G-A. GRCh37 (hg19) VCF-style: chrX-70443953-G-A.
Other names: c.396G>A, p.Trp132Ter (NM_001097642.3); short protein forms W132*.
Identifiers: ClinVar variation 637195 (VCV000637195.4), dbSNP rs1602349293, ClinGen allele CA413502168.